The following is an entry in ClinVar:

NM_004431.5(EPHA2):c.2100G>A (p.Leu700=)

Gene: EPHA2 (EPH receptor A2; minus strand). Cytogenetic location: 1p36.13.
Variant type: single nucleotide variant.
Coding change: c.2100G>A on transcript NM_004431.5 (MANE Select); coding-DNA position 2100, G replaced by A.
Protein change: p.Leu700=; no amino-acid change (leucine 700 retained).
Molecular consequence: synonymous variant.
Genome position (GRCh38, 1-based): chr1:16,132,393, C>T on the plus strand (G>A on the coding strand, the complement: EPHA2 is on the minus strand). VCF-style: chr1-16132393-C-T. GRCh37 (hg19) VCF-style: chr1-16458888-C-T.
Other names: c.1938G>A, p.Leu646= (NM_001329090.2); c.2100G>A (NM_004431.4).
Identifiers: ClinVar variation 703227 (VCV000703227.11), dbSNP rs141594918, ClinGen allele CA624941.
Genomic context (GRCh38, chr1:16,132,393, plus strand): 5'-GCTCAATGGCCAGGCATCCCCGCCCCCTACAACCCACATCCTTACCCGAAGGAACTTGTC[C>T]AGGGCCCCATTCTCCATGTACTCAGTGATGATCATCATGGGCTTGTCTGTAGGGGGGTGG-3'
Protein context (NP_004422.2, residues 690-710): IITEYMENGA[Leu700=]DKFLREKDGE

ClinVar aggregate classification (germline): Benign/Likely benign. Review status: criteria provided, multiple submitters, no conflicts (2 of 4 stars). 4 submissions from 4 submitters: Benign (2); Likely benign (1). 1 of the submissions does not count toward it. Last evaluated 2024-05-19.

Conditions:
EPHA2-related disorder. Also called: EPHA2-related condition.
Cataract 6 multiple types. Also called: CATARACT 6, POSTERIOR POLAR; CATARACT 6, CONGENITAL TOTAL; CATARACT, AGE-RELATED CORTICAL, 2. Identifiers: Orphanet 91492, MedGen C1861825, MONDO:0007288, OMIM 116600.

Allele frequency attached by ClinVar (database versions not stated): gnomAD exomes 0.00008 and 0.00019; ExAC 0.00026; gnomAD 0.00093 and 0.00103; TOPMed 0.00105; 1000 Genomes Project 0.00120; ESP Exome Variant Server 0.00138; 1000 Genomes Project 30x 0.00141.
gnomAD v4.1: 259 of 1,614,166 alleles (0.016%); highest among the groups gnomAD compares: African/African-American, 0.31%; no homozygotes.

Submissions (4):

Labcorp Genetics (formerly Invitae), Labcorp
Classification: Benign for Cataract 6 multiple types. Last evaluated: 2024-05-19. Review status: criteria provided, single submitter. Criteria: Invitae Variant Classification Sherloc (09022015). Collection method: clinical testing. Allele origin: germline.

Blueprint Genetics
Classification: Likely benign. Last evaluated: 2023-06-01. Review status: criteria provided, single submitter. Criteria: ACMG Guidelines, 2015. Collection method: clinical testing. Allele origin: germline.

Breakthrough Genomics
Classification: Benign. Review status: criteria provided, single submitter. Criteria: ACMG Guidelines, 2015. Collection method: not provided. Allele origin: germline. Inheritance: Autosomal dominant inheritance. Affected: yes.

PreventionGenetics, part of Exact Sciences
Classification: Likely benign for EPHA2-related condition. Last evaluated: 2019-02-20. Review status: no assertion criteria provided. Collection method: clinical testing. Allele origin: germline. Not counted in ClinVar's aggregate classification.
Comment: This variant is classified as likely benign based on ACMG/AMP sequence variant interpretation guidelines (Richards et al. 2015 PMID: 25741868, with internal and published modifications).